The following is an entry in ClinVar:

NM_001013703.4(EIF2AK4):c.2404-3T>C

Gene: EIF2AK4 (eukaryotic translation initiation factor 2 alpha kinase 4; plus strand). Cytogenetic location: 15q15.1.
Variant type: single nucleotide variant.
Coding change: c.2404-3T>C on transcript NM_001013703.4 (MANE Select); 3 bases into the intron before coding-DNA position 2404, T replaced by C.
Molecular consequence: intron variant.
Genome position (GRCh38, 1-based): chr15:39,987,980, T>C. VCF-style: chr15-39987980-T-C. GRCh37 (hg19) VCF-style: chr15-40280181-T-C.
Identifiers: ClinVar variation 2854113 (VCV002854113.3), dbSNP rs780883067, ClinGen allele CA7474042.

ClinVar aggregate classification (germline): Uncertain significance (1 of 4 stars; one submission).

Allele frequency attached by ClinVar (database versions not stated): gnomAD exomes below 0.00001; TOPMed below 0.00001; ExAC 0.00001.
gnomAD v4.1: 1 of 1,614,064 alleles (0.000062%); highest among the groups gnomAD compares: Admixed American, 0.0017%; no homozygotes.

Submission:

Labcorp Genetics (formerly Invitae), Labcorp
Classification: Uncertain significance. Last evaluated: 2023-12-12. Review status: criteria provided, single submitter. Criteria: Invitae Variant Classification Sherloc (09022015). Collection method: clinical testing. Allele origin: germline.
Comment: This sequence change falls in intron 14 of the EIF2AK4 gene. It does not directly change the encoded amino acid sequence of the EIF2AK4 protein. It affects a nucleotide within the consensus splice site. This variant is present in population databases (rs780883067, gnomAD 0.007%). This variant has been observed in individual(s) with pulmonary arterial hypertension (Invitae). Variants that disrupt the consensus splice site are a relatively common cause of aberrant splicing (PMID: 17576681, 9536098). Algorithms developed to predict the effect of sequence changes on RNA splicing suggest that this variant is not likely to affect RNA splicing. In summary, the available evidence is currently insufficient to determine the role of this variant in disease. Therefore, it has been classified as a Variant of Uncertain Significance.

Literature cited by the submitters: PubMed 17576681; PubMed 9536098.